The following is an entry in ClinVar:

ClinVar aggregate classification (germline): Uncertain significance (1 of 4 stars; one submission).

Submission:

Labcorp Genetics (formerly Invitae), Labcorp
Classification: Uncertain significance. Last evaluated: 2022-04-06. Review status: criteria provided, single submitter. Criteria: Invitae Variant Classification Sherloc (09022015). Collection method: clinical testing. Allele origin: germline.
Comment: In summary, the available evidence is currently insufficient to determine the role of this variant in disease. Therefore, it has been classified as a Variant of Uncertain Significance. Advanced modeling of protein sequence and biophysical properties (such as structural, functional, and spatial information, amino acid conservation, physicochemical variation, residue mobility, and thermodynamic stability) performed at Invitae indicates that this missense variant is not expected to disrupt OPA1 protein function. This variant has not been reported in the literature in individuals affected with OPA1-related conditions. This variant is not present in population databases (gnomAD no frequency). This sequence change replaces tryptophan, which is neutral and slightly polar, with leucine, which is neutral and non-polar, at codon 2 of the OPA1 protein (p.Trp2Leu).

NM_130837.3(OPA1):c.5G>T (p.Trp2Leu)

Gene: OPA1 (OPA1 mitochondrial dynamin like GTPase; plus strand). Cytogenetic location: 3q29.
Variant type: single nucleotide variant.
Coding change: c.5G>T on transcript NM_130837.3 (MANE Select); coding-DNA position 5, G replaced by T.
Protein change: p.Trp2Leu; replaces tryptophan 2 with leucine.
Molecular consequence: missense variant. On other transcripts: 5 prime UTR variant (2).
Genome position (GRCh38, 1-based): chr3:193,593,382, G>T. VCF-style: chr3-193593382-G-T. GRCh37 (hg19) VCF-style: chr3-193311171-G-T.
Other names: c.-426G>T (NM_001354663.2, NM_001354664.2); c.5G>T, p.Trp2Leu (NM_015560.3, NM_130831.3, NM_130832.3 and 4 more transcripts); short protein forms W2L.
Identifiers: ClinVar variation 2103621 (VCV002103621.4), dbSNP rs1396144821, ClinGen allele CA355785438.